The following is an entry in ClinVar:

NM_007194.4(CHEK2):c.338A>G (p.Tyr113Cys)

Gene: CHEK2 (checkpoint kinase 2; minus strand). Cytogenetic location: 22q12.1.
Variant type: single nucleotide variant.
Coding change: c.338A>G on transcript NM_007194.4 (MANE Select); coding-DNA position 338, A replaced by G.
Protein change: p.Tyr113Cys; replaces tyrosine 113 with cysteine.
Molecular consequence: missense variant.
Genome position (GRCh38, 1-based): chr22:28,725,349, T>C on the plus strand (A>G on the coding strand, the complement: CHEK2 is on the minus strand). VCF-style: chr22-28725349-T-C. GRCh37 (hg19) VCF-style: chr22-29121337-T-C.
Other names: c.467A>G, p.Tyr156Cys (NM_001005735.3); c.-440A>G (NM_001257387.3); c.338A>G, p.Tyr113Cys (NM_001349956.3, NM_145862.3); short protein forms Y113C, Y156C.
Identifiers: ClinVar variation 410005 (VCV000410005.18), dbSNP rs770343235, ClinGen allele CA10168017.

ClinVar aggregate classification (germline): Uncertain significance. Review status: criteria provided, multiple submitters, no conflicts (2 of 4 stars). 3 submissions from 3 submitters: Uncertain significance (3). Last evaluated 2024-06-21.

Conditions:
Hereditary cancer-predisposing syndrome. Also called: Tumor predisposition; Hereditary Cancer Syndrome; Hereditary neoplastic syndrome; Neoplastic Syndromes, Hereditary. Identifiers: Orphanet 140162, MedGen C0027672, MeSH D009386, MONDO:0015356.
Familial cancer of breast. Also called: BREAST CANCER, FAMILIAL; Hereditary breast cancer; hereditary breast carcinoma. Identifiers: Orphanet 227535, MedGen C0346153, MONDO:0016419, OMIM 114480. Disease mechanism: loss of function.

Allele frequency attached by ClinVar (database versions not stated): gnomAD exomes below 0.00001; ExAC 0.00001.

Submissions (3):

Labcorp Genetics (formerly Invitae), Labcorp
Classification: Uncertain significance for Familial cancer of breast. Last evaluated: 2024-06-21. Review status: criteria provided, single submitter. Criteria: Invitae Variant Classification Sherloc (09022015). Collection method: clinical testing. Allele origin: germline.
Comment: This sequence change replaces tyrosine, which is neutral and polar, with cysteine, which is neutral and slightly polar, at codon 113 of the CHEK2 protein (p.Tyr113Cys). This variant is present in population databases (rs770343235, gnomAD 0.003%). This variant has not been reported in the literature in individuals affected with CHEK2-related conditions. ClinVar contains an entry for this variant (Variation ID: 410005). An algorithm developed to predict the effect of missense changes on protein structure and function (PolyPhen-2) suggests that this variant is likely to be disruptive. In summary, the available evidence is currently insufficient to determine the role of this variant in disease. Therefore, it has been classified as a Variant of Uncertain Significance.

Ambry Genetics
Classification: Uncertain significance for Hereditary cancer-predisposing syndrome. Last evaluated: 2024-06-20. Review status: criteria provided, single submitter. Criteria: Ambry Variant Classification Scheme 2023. Collection method: clinical testing. Allele origin: germline.
Comment: The p.Y113C variant (also known as c.338A>G), located in coding exon 2 of the CHEK2 gene, results from an A to G substitution at nucleotide position 338. The tyrosine at codon 113 is replaced by cysteine, an amino acid with highly dissimilar properties. This amino acid position is highly conserved in available vertebrate species. In addition, this alteration is predicted to be deleterious by in silico analysis. Based on the available evidence, the clinical significance of this variant remains unclear.

Color Diagnostics, LLC DBA Color Health
Classification: Uncertain significance for Hereditary cancer-predisposing syndrome. Last evaluated: 2018-10-19. Review status: criteria provided, single submitter. Criteria: ACMG Guidelines, 2015. Collection method: clinical testing. Allele origin: germline.